The following is an entry in ClinVar:

NM_032776.3(JMJD1C):c.4309A>T (p.Ser1437Cys)

Gene: JMJD1C (jumonji domain containing 1C; minus strand). Cytogenetic location: 10q21.3.
Variant type: single nucleotide variant.
Coding change: c.4309A>T on transcript NM_032776.3 (MANE Select); coding-DNA position 4309, A replaced by T.
Protein change: p.Ser1437Cys; replaces serine 1437 with cysteine.
Molecular consequence: missense variant. On other transcripts: non-coding transcript variant (1).
Genome position (GRCh38, 1-based): chr10:63,207,360, T>A on the plus strand (A>T on the coding strand, the complement: JMJD1C is on the minus strand). VCF-style: chr10-63207360-T-A. GRCh37 (hg19) VCF-style: chr10-64967120-T-A.
Other names: c.3763A>T, p.Ser1255Cys (NM_001282948.2, NM_001318154.2); c.3445A>T, p.Ser1149Cys (NM_001318153.2); c.4195A>T, p.Ser1399Cys (NM_001322252.2); c.3652A>T, p.Ser1218Cys (NM_001322254.2, NM_001322258.2); short protein forms S1149C, S1218C, S1255C, S1399C, S1437C.
Identifiers: ClinVar variation 944294 (VCV000944294.9), dbSNP rs376120047, ClinGen allele CA377038050.

ClinVar aggregate classification (germline): Uncertain significance (1 of 4 stars; one submission).

Conditions:
Early Myoclonic Encephalopathy. Identifiers: MedGen C0270855.

Allele frequency attached by ClinVar (database versions not stated): TOPMed 0.00002.
gnomAD v4.1: 3 of 1,613,958 alleles (0.00019%); highest among the groups gnomAD compares: Non-Finnish European, 0.00017%; no homozygotes.

Submission:

Labcorp Genetics (formerly Invitae), Labcorp
Classification: Uncertain significance for Early Myoclonic Encephalopathy. Last evaluated: 2022-08-15. Review status: criteria provided, single submitter. Criteria: Invitae Variant Classification Sherloc (09022015). Collection method: clinical testing. Allele origin: germline.
Comment: In summary, the available evidence is currently insufficient to determine the role of this variant in disease. Therefore, it has been classified as a Variant of Uncertain Significance. ClinVar contains an entry for this variant (Variation ID: 944294). Algorithms developed to predict the effect of missense changes on protein structure and function are either unavailable or do not agree on the potential impact of this missense change (SIFT: "Deleterious"; PolyPhen-2: "Benign"; Align-GVGD: "Class C15"). This sequence change replaces serine, which is neutral and polar, with cysteine, which is neutral and slightly polar, at codon 1437 of the JMJD1C protein (p.Ser1437Cys). This variant is present in population databases (no rsID available, gnomAD 0.0009%). This variant has not been reported in the literature in individuals affected with JMJD1C-related conditions.